The following is an entry in ClinVar:

ClinVar aggregate classification (germline): Likely benign (1 of 4 stars; one submission).

gnomAD v4.1: 5 of 1,537,092 alleles (0.00033%); highest among the groups gnomAD compares: Non-Finnish European, 0.00044%; no homozygotes.

Submission:

CeGaT Center for Human Genetics Tuebingen
Classification: Likely benign. Last evaluated: 2024-10-01. Review status: criteria provided, single submitter. Criteria: CeGaT Center For Human Genetics Tuebingen Variant Classification Criteria Version 2. Collection method: clinical testing. Allele origin: germline. Affected: yes. Observed: 1 variant allele.
Comment: PIEZO2: BP4, BP7

NM_001378183.1(PIEZO2):c.48C>T (p.Pro16=)

Gene: PIEZO2 (piezo type mechanosensitive ion channel component 2; minus strand). Cytogenetic location: 18p11.21.
Variant type: single nucleotide variant.
Coding change: c.48C>T on transcript NM_001378183.1 (MANE Select); coding-DNA position 48, C replaced by T.
Protein change: p.Pro16=; no amino-acid change (proline 16 retained).
Molecular consequence: synonymous variant.
Genome position (GRCh38, 1-based): chr18:11,148,541, G>A on the plus strand (C>T on the coding strand, the complement: PIEZO2 is on the minus strand). VCF-style: chr18-11148541-G-A. GRCh37 (hg19) VCF-style: chr18-11148540-G-A.
Other names: c.48C>T, p.Pro16= (NM_001410871.1, NM_022068.4).
Identifiers: ClinVar variation 3389892 (VCV003389892.14).